The following is an entry in ClinVar:

ClinVar aggregate classification (germline): Uncertain significance (1 of 4 stars; one submission).

Conditions:
Neuroblastoma, susceptibility to, 3. Also called: ALK-Related Neuroblastic Tumor Susceptibility. Identifiers: Orphanet 635, MedGen C2751681, MONDO:0013083, OMIM 613014.

Submission:

Labcorp Genetics (formerly Invitae), Labcorp
Classification: Uncertain significance for Neuroblastoma, susceptibility to, 3. Last evaluated: 2020-11-04. Review status: criteria provided, single submitter. Criteria: Invitae Variant Classification Sherloc (09022015). Collection method: clinical testing. Allele origin: germline.
Comment: This variant is not present in population databases (ExAC no frequency). In summary, the available evidence is currently insufficient to determine the role of this variant in disease. Therefore, it has been classified as a Variant of Uncertain Significance. Algorithms developed to predict the effect of sequence changes on RNA splicing suggest that this variant may disrupt the consensus splice site, but this prediction has not been confirmed by published transcriptional studies. Algorithms developed to predict the effect of missense changes on protein structure and function (SIFT, PolyPhen-2, Align-GVGD) all suggest that this variant is likely to be tolerated, but these predictions have not been confirmed by published functional studies and their clinical significance is uncertain. This variant has not been reported in the literature in individuals with ALK-related conditions. This sequence change replaces valine with leucine at codon 681 of the ALK protein (p.Val681Leu). The valine residue is highly conserved and there is a small physicochemical difference between valine and leucine.

NM_004304.5(ALK):c.2041G>C (p.Val681Leu)

Gene: ALK (ALK receptor tyrosine kinase; minus strand). Cytogenetic location: 2p23.2.
Variant type: single nucleotide variant.
Coding change: c.2041G>C on transcript NM_004304.5 (MANE Select); coding-DNA position 2041, G replaced by C.
Protein change: p.Val681Leu; replaces valine 681 with leucine.
Molecular consequence: missense variant.
Genome position (GRCh38, 1-based): chr2:29,275,099, C>G on the plus strand (G>C on the coding strand, the complement: ALK is on the minus strand). VCF-style: chr2-29275099-C-G. GRCh37 (hg19) VCF-style: chr2-29497965-C-G.
Other names: short protein forms V681L.
Identifiers: ClinVar variation 1521704 (VCV001521704.8), dbSNP rs1665497617, ClinGen allele CA346479562.